The following is an entry in ClinVar:

NM_000238.4(KCNH2):c.3229G>A (p.Ala1077Thr)

Gene: KCNH2 (potassium voltage-gated channel subfamily H member 2; minus strand). Cytogenetic location: 7q36.1.
Variant type: single nucleotide variant.
Coding change: c.3229G>A on transcript NM_000238.4 (MANE Select); coding-DNA position 3229, G replaced by A.
Protein change: p.Ala1077Thr; replaces alanine 1077 with threonine.
Molecular consequence: missense variant.
Genome position (GRCh38, 1-based): chr7:150,946,978, C>T on the plus strand (G>A on the coding strand, the complement: KCNH2 is on the minus strand). VCF-style: chr7-150946978-C-T. GRCh37 (hg19) VCF-style: chr7-150644066-C-T.
Other names: c.2209G>A, p.Ala737Thr (NM_172057.3); short protein forms A1077T, A737T.
Identifiers: ClinVar variation 526983 (VCV000526983.25), dbSNP rs201382073, ClinGen allele CA038009.

ClinVar aggregate classification (germline): Uncertain significance. Review status: criteria provided, multiple submitters, no conflicts (2 of 4 stars). 5 submissions from 5 submitters: Uncertain significance (5). Last evaluated 2025-10-22.

Conditions:
Cardiovascular phenotype. Identifiers: MedGen CN230736.
Cardiac arrhythmia. Also called: Cardiac rhythm disease; Arrhythmia. Identifiers: MedGen C0003811, MONDO:0007263, HP:0011675.
Long QT syndrome (LQTS). Identifiers: MedGen C0023976, MeSH D008133, MONDO:0002442. Disease mechanism: loss of function. Inheritance: Various modes of inheritance.

Allele frequency attached by ClinVar (database versions not stated): gnomAD exomes 0.00002; ExAC 0.00003; TOPMed 0.00003; gnomAD 0.00004 and 0.00005; 1000 Genomes Project 30x 0.00016; 1000 Genomes Project 0.00020.
gnomAD v4.1: 44 of 1,609,748 alleles (0.0027%); highest among the groups gnomAD compares: Middle Eastern, 0.017%; 1 homozygote.

Submissions (5):

Labcorp Genetics (formerly Invitae), Labcorp
Classification: Uncertain significance for Long QT syndrome. Last evaluated: 2025-10-22. Review status: criteria provided, single submitter. Criteria: Invitae Variant Classification Sherloc (09022015). Collection method: clinical testing. Allele origin: germline.
Comment: This sequence change replaces alanine, which is neutral and non-polar, with threonine, which is neutral and polar, at codon 1077 of the KCNH2 protein (p.Ala1077Thr). This variant is present in population databases (rs201382073, gnomAD 0.007%). This variant has not been reported in the literature in individuals affected with KCNH2-related conditions. ClinVar contains an entry for this variant (Variation ID: 526983). An algorithm developed to predict the effect of missense changes on protein structure and function outputs the following: PolyPhen-2: "Benign". The threonine amino acid residue is found in multiple mammalian species, which suggests that this missense change does not adversely affect protein function. In summary, the available evidence is currently insufficient to determine the role of this variant in disease. Therefore, it has been classified as a Variant of Uncertain Significance.

Ambry Genetics
Classification: Uncertain significance for Cardiovascular phenotype. Last evaluated: 2025-06-27. Review status: criteria provided, single submitter. Criteria: Ambry Variant Classification Scheme 2023. Collection method: clinical testing. Allele origin: germline.
Comment: The p.A1077T variant (also known as c.3229G>A), located in coding exon 14 of the KCNH2 gene, results from a G to A substitution at nucleotide position 3229. The alanine at codon 1077 is replaced by threonine, an amino acid with similar properties. This amino acid position is well conserved in available vertebrate species. In addition, the in silico prediction for this alteration is inconclusive. Based on the available evidence, the clinical significance of this variant remains unclear.

Color Diagnostics, LLC DBA Color Health
Classification: Uncertain significance for Cardiac arrhythmia. Last evaluated: 2025-06-03. Review status: criteria provided, single submitter. Criteria: ACMG Guidelines, 2015. Collection method: clinical testing. Allele origin: germline.
Comment: This missense variant replaces alanine with threonine at codon 1077 of the KCNH2 protein. Computational prediction suggests that this variant may not impact protein structure and function. To our knowledge, functional studies have not been reported for this variant. This variant has not been reported in individuals affected with KCNH2-related disorders in the literature. This variant has been identified in 6/280526 chromosomes in the general population by the Genome Aggregation Database (gnomAD). The available evidence is insufficient to determine the role of this variant in disease conclusively. Therefore, this variant is classified as a Variant of Uncertain Significance.

Blueprint Genetics
Classification: Uncertain significance. Last evaluated: 2024-11-13. Review status: criteria provided, single submitter. Criteria: ACMG Guidelines, 2015. Collection method: clinical testing. Allele origin: germline.

GeneDx
Classification: Uncertain significance. Last evaluated: 2022-05-06. Review status: criteria provided, single submitter. Criteria: GeneDx Variant Classification Process June 2021. Collection method: clinical testing. Allele origin: germline. Affected: yes.
Comment: Has not been previously published as pathogenic or benign to our knowledge; In silico analysis supports that this missense variant has a deleterious effect on protein structure/function; This variant is associated with the following publications: (PMID: 27535533, 26582918)